The following is an entry in ClinVar:

ClinVar aggregate classification (germline): Likely pathogenic (1 of 4 stars; one submission).

Conditions:
Osteogenesis imperfecta type I (OI1). Also called: Classic Non-deforming Osteogenesis Imperfecta with Blue Sclerae; Lobstein disease; OI, TYPE I; OSTEOGENESIS IMPERFECTA TARDA; OSTEOGENESIS IMPERFECTA WITH BLUE SCLERAE; Osteogenesis imperfecta type 1. Identifiers: Orphanet 216796, Orphanet 666, MedGen C0023931, MONDO:0008146, OMIM 166200. Disease mechanism: loss of function.

Submission:

Labcorp Genetics (formerly Invitae), Labcorp
Classification: Likely pathogenic for Osteogenesis imperfecta type I. Last evaluated: 2023-07-03. Review status: criteria provided, single submitter. Criteria: Invitae Variant Classification Sherloc (09022015). Collection method: clinical testing. Allele origin: germline.
Comment: This variant is not present in population databases (gnomAD no frequency). In summary, the currently available evidence indicates that the variant is pathogenic, but additional data are needed to prove that conclusively. Therefore, this variant has been classified as Likely Pathogenic. This variant disrupts the triple helix domain of COL1A1. Glycine residues within the Gly-Xaa-Yaa repeats of the triple helix domain are required for the structure and stability of fibrillar collagens (PMID: 7695699, 8218237, 19344236). In COL1A1, variants affecting these glycine residues are significantly enriched in individuals with disease (PMID: 9016532, 17078022) compared to the general population (ExAC). Advanced modeling of protein sequence and biophysical properties (such as structural, functional, and spatial information, amino acid conservation, physicochemical variation, residue mobility, and thermodynamic stability) performed at Invitae indicates that this missense variant is expected to disrupt COL1A1 protein function. This variant has not been reported in the literature in individuals affected with COL1A1-related conditions. This sequence change replaces glycine, which is neutral and non-polar, with aspartic acid, which is acidic and polar, at codon 611 of the COL1A1 protein (p.Gly611Asp).

Literature cited by the submitters: PubMed 7695699; PubMed 8218237; PubMed 19344236; PubMed 9016532; PubMed 17078022.

NM_000088.4(COL1A1):c.1832G>A (p.Gly611Asp)

Gene: COL1A1 (collagen type I alpha 1 chain; minus strand). Cytogenetic location: 17q21.33.
Variant type: single nucleotide variant.
Coding change: c.1832G>A on transcript NM_000088.4 (MANE Select); coding-DNA position 1832, G replaced by A.
Protein change: p.Gly611Asp; replaces glycine 611 with aspartic acid.
Molecular consequence: missense variant.
Genome position (GRCh38, 1-based): chr17:50,192,840, C>T on the plus strand (G>A on the coding strand, the complement: COL1A1 is on the minus strand). VCF-style: chr17-50192840-C-T. GRCh37 (hg19) VCF-style: chr17-48270201-C-T.
Other names: short protein forms G611D.
Identifiers: ClinVar variation 2734252 (VCV002734252.3), dbSNP rs2509208266, ClinGen allele CA400214847.
Genomic context (GRCh38, chr17:50,192,840, plus strand): 5'-CCATCAGGGACACTCACAGCAGGGCCAGGGGGTCCCTGAGCTCCAGCCTCTCCATCTTTG[C>T]CAGCAGGACCCTGCAGGGAGAGAGCAAAGGGGAACTCAGGGTTAGGAGGCCCCGAGCAGC-3'
Protein context (NP_000079.2, residues 601-621): PGPPGAVGPA[Gly611Asp]KDGEAGAQGP